The following is an entry in ClinVar:

NM_001365276.2(TNXB):c.1507G>A (p.Gly503Arg)

Gene: TNXB (tenascin XB; minus strand). Cytogenetic location: 6p21.33.
Variant type: single nucleotide variant.
Coding change: c.1507G>A on transcript NM_001365276.2 (MANE Select); coding-DNA position 1507, G replaced by A.
Protein change: p.Gly503Arg; replaces glycine 503 with arginine.
Molecular consequence: missense variant.
Genome position (GRCh38, 1-based): chr6:32,096,346, C>T on the plus strand (G>A on the coding strand, the complement: TNXB is on the minus strand). VCF-style: chr6-32096346-C-T. GRCh37 (hg19) VCF-style: chr6-32064123-C-T.
Other names: c.1507G>A, p.Gly503Arg (NM_019105.8); short protein forms G503R.
Identifiers: ClinVar variation 1308307 (VCV001308307.3), dbSNP rs1780362360, ClinGen allele CA363480553.
Genomic context (GRCh38, chr6:32,096,346, plus strand): 5'-AGTCCTCACCGGTGAAGCCCGGGTTGCACACGCAGCGGCCATCCACGCAGCGCCCGCGCC[C>T]GCGACAGTCGCCAGGACAGGCGCGCGTGCCGCAGTCCCGGCCTGTGTACCCCGGCCAACA-3'
Protein context (NP_001352205.1, residues 493-513): GTRACPGDCR[Gly503Arg]RGRCVDGRCV

ClinVar aggregate classification (germline): Uncertain significance (1 of 4 stars; one submission).

Submission:

GeneDx
Classification: Uncertain significance. Last evaluated: 2022-09-27. Review status: criteria provided, single submitter. Criteria: GeneDx Variant Classification Process June 2021. Collection method: clinical testing. Allele origin: germline. Affected: yes.
Comment: Has not been previously published as pathogenic or benign to our knowledge; Not observed at significant frequency in large population cohorts (gnomAD); In silico analysis supports that this missense variant has a deleterious effect on protein structure/function